The following is an entry in ClinVar:

ClinVar aggregate classification (germline): Conflicting classifications of pathogenicity. Review status: criteria provided, conflicting classifications (1 of 4 stars). 5 submissions from 5 submitters: Uncertain significance (2); Benign (1); Likely benign (2). Last evaluated 2025-10-07.

Conditions:
Hereditary cancer-predisposing syndrome. Also called: Hereditary neoplastic syndrome; Neoplastic Syndromes, Hereditary; Tumor predisposition; Hereditary Cancer Syndrome. Identifiers: Orphanet 140162, MedGen C0027672, MeSH D009386, MONDO:0015356.
Tuberous sclerosis 1 (TSC1). Identifiers: Orphanet 805, MedGen C1854465, MONDO:0008612, OMIM 191100.
Isolated focal cortical dysplasia type II (FCORD2). Also called: CORTICAL DYSPLASIA OF TAYLOR; Focal cortical dysplasia type II. Identifiers: Orphanet 268994, MedGen C1846385, MONDO:0011818, OMIM 607341, HP:0032051.
Lymphangiomyomatosis (LAM). Also called: Lymphangioleiomyomatosis; Lymphangioleiomyomatosis, somatic. Identifiers: Orphanet 538, MedGen C0751674, MONDO:0011705, OMIM 606690.
Tuberous sclerosis syndrome (TSC). Also called: Tuberous Sclerosis Complex; Tuberous sclerosis. Identifiers: Orphanet 805, MedGen C0041341, MONDO:0001734.

Allele frequency attached by ClinVar (database versions not stated): gnomAD exomes below 0.00001; TOPMed below 0.00001; gnomAD 0.00001.
gnomAD v4.1: 4 of 1,613,916 alleles (0.00025%); highest among the groups gnomAD compares: Non-Finnish European, 0.00034%; no homozygotes.

Submissions (5):

Color Diagnostics, LLC DBA Color Health
Classification: Uncertain significance for Tuberous sclerosis syndrome. Last evaluated: 2025-10-07. Review status: criteria provided, single submitter. Criteria: ACMG Guidelines, 2015. Collection method: clinical testing. Allele origin: germline.
Comment: This missense variant replaces proline with serine at codon 56 of the TSC1 protein. Computational prediction suggests that this variant may not impact protein structure and function. To our knowledge, functional studies have not been reported for this variant. This variant has not been reported in individuals affected with TSC1-related disorders in the literature. This variant has been identified in 4/1613916 chromosomes in the general population by the Genome Aggregation Database (gnomAD). The available evidence is insufficient to determine the role of this variant in disease conclusively. Therefore, this variant is classified as a Variant of Uncertain Significance.

Labcorp Genetics (formerly Invitae), Labcorp
Classification: Benign for Tuberous sclerosis 1. Last evaluated: 2025-10-01. Review status: criteria provided, single submitter. Criteria: Invitae Variant Classification Sherloc (09022015). Collection method: clinical testing. Allele origin: germline.

Fulgent Genetics
Classification: Likely benign for Tuberous sclerosis 1; Lymphangiomyomatosis; Isolated focal cortical dysplasia type II. Last evaluated: 2024-06-19. Review status: criteria provided, single submitter. Criteria: ACMG Guidelines, 2015. Collection method: clinical testing. Allele origin: germline.

Ambry Genetics
Classification: Likely benign for Hereditary cancer-predisposing syndrome. Last evaluated: 2023-03-27. Review status: criteria provided, single submitter. Criteria: Ambry Variant Classification Scheme 2023. Collection method: clinical testing. Allele origin: germline.

All of Us Research Program, National Institutes of Health
Classification: Uncertain significance for Tuberous sclerosis syndrome. Last evaluated: 2023-03-23. Review status: criteria provided, single submitter. Criteria: ACMG Guidelines, 2015. Collection method: clinical testing. Allele origin: germline. Inheritance: Autosomal dominant inheritance. Observed: 1 variant allele, 1 heterozygote.
Comment: This missense variant replaces proline with serine at codon 56 of the TSC1 protein. Computational prediction suggests that this variant may not impact protein structure and function (internally defined REVEL score threshold <= 0.5, PMID: 27666373). To our knowledge, functional studies have not been reported for this variant. This variant has not been reported in individuals affected with TSC1-related disorders in the literature. This variant has been identified in 1/31398 chromosomes in the general population by the Genome Aggregation Database (gnomAD). The available evidence is insufficient to determine the role of this variant in disease conclusively. Therefore, this variant is classified as a Variant of Uncertain Significance.

This study involves interpretation of variants in research participants for the purpose of population health screening. Participant phenotype was not available at the time of variant classification. Additional details can be found in publication PMID: 35346344, PMCID: PMC8962531

NM_000368.5(TSC1):c.166C>T (p.Pro56Ser)

Gene: TSC1 (TSC complex subunit 1; minus strand). Cytogenetic location: 9q34.13.
Variant type: single nucleotide variant.
Coding change: c.166C>T on transcript NM_000368.5 (MANE Select); coding-DNA position 166, C replaced by T.
Protein change: p.Pro56Ser; replaces proline 56 with serine.
Molecular consequence: missense variant. On other transcripts: intron variant (1).
Genome position (GRCh38, 1-based): chr9:132,927,245, G>A on the plus strand (C>T on the coding strand, the complement: TSC1 is on the minus strand). VCF-style: chr9-132927245-G-A. GRCh37 (hg19) VCF-style: chr9-135802632-G-A.
Other names: c.166C>T, p.Pro56Ser (NM_001162426.2, NM_001162427.2); c.-153-1506C>T (NM_001362177.2); short protein forms P56S.
Identifiers: ClinVar variation 466037 (VCV000466037.17), dbSNP rs1330089369, ClinGen allele CA375375112.